The following is an entry in ClinVar:

ClinVar aggregate classification (germline): Uncertain significance (1 of 4 stars; one submission).

Submission:

Labcorp Genetics (formerly Invitae), Labcorp
Classification: Uncertain significance. Last evaluated: 2022-12-16. Review status: criteria provided, single submitter. Criteria: Invitae Variant Classification Sherloc (09022015). Collection method: clinical testing. Allele origin: germline.
Comment: In summary, the available evidence is currently insufficient to determine the role of this variant in disease. Therefore, it has been classified as a Variant of Uncertain Significance. Advanced modeling of protein sequence and biophysical properties (such as structural, functional, and spatial information, amino acid conservation, physicochemical variation, residue mobility, and thermodynamic stability) performed at Invitae indicates that this missense variant is not expected to disrupt DUOX2 protein function. This missense change has been observed in individual(s) with congenital hypothyroidism (PMID: 27498126). This variant is not present in population databases (gnomAD no frequency). This sequence change replaces lysine, which is basic and polar, with arginine, which is basic and polar, at codon 644 of the DUOX2 protein (p.Lys644Arg).

Literature cited by the submitters: PubMed 27498126.

NM_001363711.2(DUOX2):c.1931A>G (p.Lys644Arg)

Gene: DUOX2 (dual oxidase 2; minus strand). Cytogenetic location: 15q21.1.
Variant type: single nucleotide variant.
Coding change: c.1931A>G on transcript NM_001363711.2 (MANE Select); coding-DNA position 1931, A replaced by G.
Protein change: p.Lys644Arg; replaces lysine 644 with arginine.
Molecular consequence: missense variant.
Genome position (GRCh38, 1-based): chr15:45,106,542, T>C on the plus strand (A>G on the coding strand, the complement: DUOX2 is on the minus strand). VCF-style: chr15-45106542-T-C. GRCh37 (hg19) VCF-style: chr15-45398740-T-C.
Other names: c.1931A>G, p.Lys644Arg (NM_014080.5); short protein forms K644R.
Identifiers: ClinVar variation 2736206 (VCV002736206.3), dbSNP rs866009454, ClinGen allele CA270129785.
Genomic context (GRCh38, chr15:45,106,542, plus strand): 5'-TCCCCTCCTCCGTCCCTCCTCCCTCCTCTGCCCAGCCCCTGCTCACCTGGCACTCCATCT[T>C]TGGCTGCTTCCTTCTTCACGCTCTCTTTGAGTTTCTTTTGTAGCTTCTTGTGTTCTCGGC-3'
Protein context (NP_001350640.1, residues 634-654): LKESVKKEAA[Lys644Arg]DGVPAMEWPG